The following is an entry in ClinVar:

ClinVar aggregate classification (germline): Uncertain significance. Review status: criteria provided, multiple submitters, no conflicts (2 of 4 stars). 3 submissions from 3 submitters: Uncertain significance (3). Last evaluated 2024-02-05.

Conditions:
Rhabdoid tumor predisposition syndrome 1 (RTPS1). Also called: Familial Posterior Fossa Brain Tumor of Infancy. Identifiers: Orphanet 231108, Orphanet 69077, MedGen C1836327, MONDO:0012252, OMIM 609322.
Hereditary cancer-predisposing syndrome. Also called: Neoplastic Syndromes, Hereditary; Tumor predisposition; Hereditary Cancer Syndrome; Hereditary neoplastic syndrome. Identifiers: Orphanet 140162, MedGen C0027672, MeSH D009386, MONDO:0015356.

Submissions (3):

Baylor Genetics
Classification: Uncertain significance for Rhabdoid tumor predisposition syndrome 1. Last evaluated: 2024-02-05. Review status: criteria provided, single submitter. Criteria: ACMG Guidelines, 2015. Collection method: clinical testing. Allele origin: unknown.

Labcorp Genetics (formerly Invitae), Labcorp
Classification: Uncertain significance. Last evaluated: 2023-11-16. Review status: criteria provided, single submitter. Criteria: Invitae Variant Classification Sherloc (09022015). Collection method: clinical testing. Allele origin: germline.
Comment: This sequence change replaces valine, which is neutral and non-polar, with alanine, which is neutral and non-polar, at codon 110 of the SMARCB1 protein (p.Val110Ala). This variant is not present in population databases (gnomAD no frequency). This variant has not been reported in the literature in individuals affected with SMARCB1-related conditions. ClinVar contains an entry for this variant (Variation ID: 650818). Advanced modeling of protein sequence and biophysical properties (such as structural, functional, and spatial information, amino acid conservation, physicochemical variation, residue mobility, and thermodynamic stability) performed at Invitae indicates that this missense variant is not expected to disrupt SMARCB1 protein function with a negative predictive value of 80%. In summary, the available evidence is currently insufficient to determine the role of this variant in disease. Therefore, it has been classified as a Variant of Uncertain Significance.

Ambry Genetics
Classification: Uncertain significance for Hereditary cancer-predisposing syndrome. Last evaluated: 2023-08-08. Review status: criteria provided, single submitter. Criteria: Ambry Variant Classification Scheme 2023. Collection method: clinical testing. Allele origin: germline.
Comment: The p.V110A variant (also known as c.329T>C), located in coding exon 3 of the SMARCB1 gene, results from a T to C substitution at nucleotide position 329. The valine at codon 110 is replaced by alanine, an amino acid with similar properties. This amino acid position is well conserved in available vertebrate species. In addition, the in silico prediction for this alteration is inconclusive. Missense and in-frame variants in SMARCB1 are known to cause neurodevelopmental disorders; however, such associations with rhabdoid tumor predisposition syndrome are exceedingly rare (Kosho T et al. Am J Med Genet C Semin Med Genet. 2014 Sep;166C(3):262-75; Eaton KW et al. Pediatr Blood Cancer. 2011 Jan;56(1):7-15). Since supporting evidence is limited at this time, the clinical significance of this alteration remains unclear.

NM_003073.5(SMARCB1):c.329T>C (p.Val110Ala)

Gene: SMARCB1 (SWI/SNF related BAF chromatin remodeling complex subunit B1; plus strand). Cytogenetic location: 22q11.23.
Variant type: single nucleotide variant.
Coding change: c.329T>C on transcript NM_003073.5 (MANE Select); coding-DNA position 329, T replaced by C.
Protein change: p.Val110Ala; replaces valine 110 with alanine.
Molecular consequence: missense variant.
Genome position (GRCh38, 1-based): chr22:23,793,655, T>C. VCF-style: chr22-23793655-T-C. GRCh37 (hg19) VCF-style: chr22-24135842-T-C.
Other names: c.329T>C (LRG_520t1); c.302T>C, p.Val101Ala (NM_001007468.3, NM_001317946.2); c.329T>C, p.Val110Ala (NM_001362877.2); short protein forms V101A, V110A.
Identifiers: ClinVar variation 650818 (VCV000650818.8), dbSNP rs1601391157, ClinGen allele CA410933976.
Genomic context (GRCh38, chr22:23,793,655, plus strand): 5'-TGTTAAAAGCCTCGGAAGTGGAAGAGATTCTGGATGGCAACGATGAGAAGTACAAGGCTG[T>C]GTCCATCAGCACAGAGCCCCCCACCTACCTCAGGTAATGCGTTCCTGGCCAGGGCATCTC-3'
Protein context (NP_003064.2, residues 100-120): LDGNDEKYKA[Val110Ala]SISTEPPTYL